The following is an entry in ClinVar:

ClinVar aggregate classification (germline): Uncertain significance (1 of 4 stars; one submission).

Allele frequency attached by ClinVar (database versions not stated): TOPMed below 0.00001.

Submission:

Labcorp Genetics (formerly Invitae), Labcorp
Classification: Uncertain significance. Last evaluated: 2023-06-03. Review status: criteria provided, single submitter. Criteria: Invitae Variant Classification Sherloc (09022015). Collection method: clinical testing. Allele origin: germline.
Comment: In summary, the available evidence is currently insufficient to determine the role of this variant in disease. Therefore, it has been classified as a Variant of Uncertain Significance. This sequence change replaces alanine, which is neutral and non-polar, with valine, which is neutral and non-polar, at codon 227 of the DCHS1 protein (p.Ala227Val). This variant is not present in population databases (gnomAD no frequency). This variant has not been reported in the literature in individuals affected with DCHS1-related conditions. Advanced modeling of protein sequence and biophysical properties (such as structural, functional, and spatial information, amino acid conservation, physicochemical variation, residue mobility, and thermodynamic stability) performed at Invitae indicates that this missense variant is not expected to disrupt DCHS1 protein function.

NM_003737.4(DCHS1):c.680C>T (p.Ala227Val)

Gene: DCHS1 (dachsous cadherin-related 1; minus strand). Cytogenetic location: 11p15.4.
Variant type: single nucleotide variant.
Coding change: c.680C>T on transcript NM_003737.4 (MANE Select); coding-DNA position 680, C replaced by T.
Protein change: p.Ala227Val; replaces alanine 227 with valine.
Molecular consequence: missense variant.
Genome position (GRCh38, 1-based): chr11:6,640,934, G>A on the plus strand (C>T on the coding strand, the complement: DCHS1 is on the minus strand). VCF-style: chr11-6640934-G-A. GRCh37 (hg19) VCF-style: chr11-6662165-G-A.
Other names: short protein forms A227V.
Identifiers: ClinVar variation 2798621 (VCV002798621.3), dbSNP rs1856063272, ClinGen allele CA379440993.